The following is an entry in ClinVar:

NM_000390.4(CHM):c.116+1G>T

Gene: CHM (CHM Rab escort protein; minus strand). Cytogenetic location: Xq21.2.
Variant type: single nucleotide variant.
Coding change: c.116+1G>T on transcript NM_000390.4 (MANE Select); the canonical splice donor site of the intron after coding-DNA position 116, G replaced by T.
Molecular consequence: splice donor variant.
Genome position (GRCh38, 1-based): chrX:86,027,490, C>A on the plus strand (G>T on the coding strand, the complement: CHM is on the minus strand). VCF-style: chrX-86027490-C-A. GRCh37 (hg19) VCF-style: chrX-85282494-C-A.
Other names: c.-325+1G>T (NM_001362519.1, NM_001362518.2); c.-329+1G>T (NM_001362517.1, NM_001320959.1); c.116+1G>T (NM_001145414.4).
Identifiers: ClinVar variation 279770 (VCV000279770.12), dbSNP rs786204761, ClinGen allele CA10603643.

ClinVar aggregate classification (germline): Pathogenic/Likely pathogenic. Review status: criteria provided, multiple submitters, no conflicts (2 of 4 stars). 4 submissions from 4 submitters: Pathogenic (2); Likely pathogenic (1). 1 of the submissions does not count toward it. Last evaluated 2025-03-17.

Conditions:
CHM-related disorders.
Choroideremia. Also called: Chorioretinal scalloped atrophy. Identifiers: Orphanet 180, MedGen C0008525, MONDO:0010557, OMIM 303100, HP:0001139.

Submissions (4):

Labcorp Genetics (formerly Invitae), Labcorp
Classification: Pathogenic. Last evaluated: 2025-03-17. Review status: criteria provided, single submitter. Criteria: Invitae Variant Classification Sherloc (09022015). Collection method: clinical testing. Allele origin: germline.
Comment: This sequence change affects a donor splice site in intron 2 of the CHM gene. It is expected to disrupt RNA splicing. Variants that disrupt the donor or acceptor splice site typically lead to a loss of protein function (PMID: 16199547), and loss-of-function variants in CHM are known to be pathogenic (PMID: 9067750, 23811034). This variant is not present in population databases (gnomAD no frequency). Disruption of this splice site has been observed in individual(s) with choroideremia (PMID: 21905166, 27247961). ClinVar contains an entry for this variant (Variation ID: 279770). Algorithms developed to predict the effect of sequence changes on RNA splicing suggest that this variant may disrupt the consensus splice site. For these reasons, this variant has been classified as Pathogenic.

Blueprint Genetics
Classification: Likely pathogenic for CHM-related disorders. Last evaluated: 2019-01-18. Review status: criteria provided, single submitter. Criteria: ACMG Guidelines, 2015. Collection method: clinical testing. Allele origin: germline. Affected: yes. Observed: 1 variant allele.

GeneDx
Classification: Pathogenic. Last evaluated: 2016-08-04. Review status: criteria provided, single submitter. Criteria: GeneDx Variant Classification (06012015). Collection method: clinical testing. Allele origin: germline. Affected: yes.
Comment: The CHM gene encodes Rab escort protein 1, a RAB geranylgeranyl transferase subunit necessary for the postranslational modification and membrane targeting of Rab proteins (van den Hurk et al., 2003). Pathogenic variants in the CHM gene cause choroideremia, an X-linked form of retinal dystrophy characterized by retinal pigment epithelium and photoreceptor degeneration with eventual complete choroid atrophy and bare sclera (van den Hurk et al., 1997; Guo et al., 2015; Sanchez-Alcudia et al., 2016). Affected males have night blindness, tunnel vision, and may eventually become completely blind (van den Hurk et al., 2003). Rarely, female carriers may be affected, but typically have only mild cone dysfunction, mottled irregularity of the fundus, and yellowish flecks in the macula over time (Cremers et al., 1990, van den Hurk et al., 1997, Renner et al., 2009).

GeneReviews
No classification provided. Condition: Choroideremia. Review status: no classification provided. Collection method: literature only. Allele origin: germline. Not counted in ClinVar's aggregate classification.

Literature cited by the submitters: PubMed 16199547 (cited by Labcorp Genetics (formerly Invitae), Labcorp); PubMed 9067750 (cited by Labcorp Genetics (formerly Invitae), Labcorp); PubMed 23811034 (cited by Labcorp Genetics (formerly Invitae), Labcorp); PubMed 21905166 (cited by Labcorp Genetics (formerly Invitae), Labcorp); PubMed 27247961 (cited by Labcorp Genetics (formerly Invitae), Labcorp); PubMed 12827496 (cited by GeneReviews).